The following is an entry in ClinVar:

NM_001145715.3(KPNA7):c.107G>A (p.Arg36Gln)

Gene: KPNA7 (karyopherin subunit alpha 7; minus strand). Cytogenetic location: 7q22.1.
Variant type: single nucleotide variant.
Coding change: c.107G>A on transcript NM_001145715.3 (MANE Select); coding-DNA position 107, G replaced by A.
Protein change: p.Arg36Gln; replaces arginine 36 with glutamine.
Molecular consequence: missense variant.
Genome position (GRCh38, 1-based): chr7:99,203,200, C>T on the plus strand (G>A on the coding strand, the complement: KPNA7 is on the minus strand). VCF-style: chr7-99203200-C-T. GRCh37 (hg19) VCF-style: chr7-98800823-C-T.
Other names: c.107G>A (NM_001145715.1); short protein forms R36Q.
Identifiers: ClinVar variation 1022288 (VCV001022288.5), dbSNP rs373333727, ClinGen allele CA4363295.
Genomic context (GRCh38, chr7:99,203,200, plus strand): 5'-TCAGGGCAGAAGCTCGTGATATTCCTTCTCTTTAAGGTCTGTTCATCTTTCTTGGCCTTT[C>T]GGAGCTCCAGACTGACCGCCATCCTCTGCTGTCGCCTCAGCTAGTGAGGAAAAGAAATTG-3'
Protein context (NP_001139187.1, residues 26-46): QQRMAVSLEL[Arg36Gln]KAKKDEQTLK

ClinVar aggregate classification (germline): Uncertain significance. Review status: criteria provided, multiple submitters, no conflicts (2 of 4 stars). 2 submissions from 2 submitters: Uncertain significance (2). Last evaluated 2024-06-17.

Allele frequency attached by ClinVar (database versions not stated): gnomAD 0.00003; ExAC 0.00005; gnomAD exomes 0.00005; TOPMed 0.00005; ESP Exome Variant Server 0.00044.
gnomAD v4.1: 145 of 1,551,524 alleles (0.0093%); highest among the groups gnomAD compares: Non-Finnish European, 0.011%; 1 homozygote.

Submissions (2):

Ambry Genetics
Classification: Uncertain significance. Last evaluated: 2024-06-17. Review status: criteria provided, single submitter. Criteria: Ambry Variant Classification Scheme 2023. Collection method: clinical testing. Allele origin: germline.

Labcorp Genetics (formerly Invitae), Labcorp
Classification: Uncertain significance. Last evaluated: 2022-09-06. Review status: criteria provided, single submitter. Criteria: Invitae Variant Classification Sherloc (09022015). Collection method: clinical testing. Allele origin: germline.
Comment: This sequence change replaces arginine, which is basic and polar, with glutamine, which is neutral and polar, at codon 36 of the KPNA7 protein (p.Arg36Gln). This variant is present in population databases (rs373333727, gnomAD 0.01%). This variant has not been reported in the literature in individuals affected with KPNA7-related conditions. ClinVar contains an entry for this variant (Variation ID: 1022288). Algorithms developed to predict the effect of missense changes on protein structure and function (SIFT, PolyPhen-2, Align-GVGD) all suggest that this variant is likely to be disruptive. In summary, the available evidence is currently insufficient to determine the role of this variant in disease. Therefore, it has been classified as a Variant of Uncertain Significance.